The following is an entry in ClinVar:

ClinVar aggregate classification (germline): Uncertain significance (1 of 4 stars; one submission).

Conditions:
Early-onset Parkinson disease 20. Also called: PARKINSON DISEASE 20, AUTOSOMAL RECESSIVE EARLY-ONSET. Identifiers: Orphanet 391411, MedGen C3809824, MONDO:0014233, OMIM 615530.
Developmental and epileptic encephalopathy, 53. Also called: Epileptic encephalopathy, early infantile, 53. Identifiers: MedGen C4479313, MONDO:0033362, OMIM 617389.

Allele frequency attached by ClinVar (database versions not stated): gnomAD exomes below 0.00001; TOPMed 0.00001; gnomAD 0.00002.
gnomAD v4.1: 7 of 1,614,076 alleles (0.00043%); highest among the groups gnomAD compares: Non-Finnish European, 0.00059%; no homozygotes.

Submission:

Labcorp Genetics (formerly Invitae), Labcorp
Classification: Uncertain significance for Developmental and epileptic encephalopathy, 53; Early-onset Parkinson disease 20. Last evaluated: 2017-10-28. Review status: criteria provided, single submitter. Criteria: Invitae Variant Classification Sherloc (09022015). Collection method: clinical testing. Allele origin: germline.
Comment: This sequence change replaces proline with arginine at codon 1099 of the SYNJ1 protein (p.Pro1099Arg). The proline residue is weakly conserved and there is a moderate physicochemical difference between proline and arginine. This variant is not present in population databases (ExAC no frequency). This variant has not been reported in the literature in individuals with SYNJ1-related disease. Algorithms developed to predict the effect of missense changes on protein structure and function do not agree on the potential impact of this missense change (SIFT: "Tolerated"; PolyPhen-2: "Possibly Damaging"; Align-GVGD: "Class C0"). In summary, the available evidence is currently insufficient to determine the role of this variant in disease. Therefore, it has been classified as a Variant of Uncertain Significance.

NM_203446.3(SYNJ1):c.3179C>G (p.Pro1060Arg)

Gene: SYNJ1 (synaptojanin 1; minus strand). Cytogenetic location: 21q22.11.
Variant type: single nucleotide variant.
Coding change: c.3179C>G on transcript NM_203446.3 (MANE Select); coding-DNA position 3179, C replaced by G.
Protein change: p.Pro1060Arg; replaces proline 1060 with arginine.
Molecular consequence: missense variant.
Genome position (GRCh38, 1-based): chr21:32,646,461, G>C on the plus strand (C>G on the coding strand, the complement: SYNJ1 is on the minus strand). VCF-style: chr21-32646461-G-C. GRCh37 (hg19) VCF-style: chr21-34018771-G-C.
Other names: c.3179C>G, p.Pro1060Arg (NM_001160302.2); c.3164C>G, p.Pro1055Arg (NM_001160306.2); c.3296C>G, p.Pro1099Arg (NM_003895.4); short protein forms P1099R, P1060R, P1055R.
Identifiers: ClinVar variation 544565 (VCV000544565.1), dbSNP rs1430500307, ClinGen allele CA410069312.